The following is an entry in ClinVar:

ClinVar aggregate classification (germline): Uncertain significance. Review status: criteria provided, multiple submitters, no conflicts (2 of 4 stars). 2 submissions from 2 submitters: Uncertain significance (2). Last evaluated 2024-08-05.

Conditions:
Hereditary cancer-predisposing syndrome. Also called: Neoplastic Syndromes, Hereditary; Tumor predisposition; Hereditary Cancer Syndrome; Hereditary neoplastic syndrome. Identifiers: Orphanet 140162, MedGen C0027672, MeSH D009386, MONDO:0015356.
Familial cancer of breast. Also called: BREAST CANCER, FAMILIAL; Hereditary breast cancer; hereditary breast carcinoma. Identifiers: Orphanet 227535, MedGen C0346153, MONDO:0016419, OMIM 114480. Disease mechanism: loss of function.

Submissions (2):

Labcorp Genetics (formerly Invitae), Labcorp
Classification: Uncertain significance for Familial cancer of breast. Last evaluated: 2024-08-05. Review status: criteria provided, single submitter. Criteria: Invitae Variant Classification Sherloc (09022015). Collection method: clinical testing. Allele origin: germline.
Comment: This sequence change replaces arginine, which is basic and polar, with tryptophan, which is neutral and slightly polar, at codon 117 of the CHEK2 protein (p.Arg117Trp). This variant is not present in population databases (gnomAD no frequency). This missense change has been observed in individual(s) with breast cancer (PMID: 34326862). ClinVar contains an entry for this variant (Variation ID: 1732016). An algorithm developed to predict the effect of missense changes on protein structure and function (PolyPhen-2) suggests that this variant is likely to be disruptive. This variant disrupts the p.Arg117 amino acid residue in CHEK2. Other variant(s) that disrupt this residue have been determined to be pathogenic (PMID: 16982735, 18725878, 22419737; Invitae). This suggests that this residue is clinically significant, and that variants that disrupt this residue are likely to be disease-causing. In summary, the available evidence is currently insufficient to determine the role of this variant in disease. Therefore, it has been classified as a Variant of Uncertain Significance.

Ambry Genetics
Classification: Uncertain significance for Hereditary cancer-predisposing syndrome. Last evaluated: 2021-04-21. Review status: criteria provided, single submitter. Criteria: Ambry Variant Classification Scheme 2023. Collection method: clinical testing. Allele origin: germline.
Comment: The p.R117W variant (also known as c.349A>T), located in coding exon 2 of the CHEK2 gene, results from an A to T substitution at nucleotide position 349. The arginine at codon 117 is replaced by tryptophan, an amino acid with dissimilar properties. This amino acid position is highly conserved in available vertebrate species. In addition, this alteration is predicted to be deleterious by in silico analysis. Since supporting evidence is limited at this time, the clinical significance of this alteration remains unclear.

Literature cited by the submitters: PubMed 34326862 (cited by Labcorp Genetics (formerly Invitae), Labcorp); PubMed 16982735 (cited by Labcorp Genetics (formerly Invitae), Labcorp); PubMed 18725878 (cited by Labcorp Genetics (formerly Invitae), Labcorp); PubMed 22419737 (cited by Labcorp Genetics (formerly Invitae), Labcorp).

NM_007194.4(CHEK2):c.349A>T (p.Arg117Trp)

Gene: CHEK2 (checkpoint kinase 2; minus strand). Cytogenetic location: 22q12.1.
Variant type: single nucleotide variant.
Coding change: c.349A>T on transcript NM_007194.4 (MANE Select); coding-DNA position 349, A replaced by T.
Protein change: p.Arg117Trp; replaces arginine 117 with tryptophan.
Molecular consequence: missense variant.
Genome position (GRCh38, 1-based): chr22:28,725,338, T>A on the plus strand (A>T on the coding strand, the complement: CHEK2 is on the minus strand). VCF-style: chr22-28725338-T-A. GRCh37 (hg19) VCF-style: chr22-29121326-T-A.
Other names: c.478A>T, p.Arg160Trp (NM_001005735.3); c.-429A>T (NM_001257387.3); c.349A>T, p.Arg117Trp (NM_001349956.3, NM_145862.3); short protein forms R117W, R160W.
Identifiers: ClinVar variation 1732016 (VCV001732016.5), dbSNP rs28909982, ClinGen allele CA411108198.